The following is an entry in ClinVar:

ClinVar aggregate classification (germline): Pathogenic. Review status: criteria provided, multiple submitters, no conflicts (2 of 4 stars). 5 submissions from 5 submitters: Pathogenic (3). 2 of the submissions do not count toward it. Last evaluated 2025-05-07.

Conditions:
Osteogenesis imperfecta type I (OI1). Also called: OI, TYPE I; OSTEOGENESIS IMPERFECTA TARDA; OSTEOGENESIS IMPERFECTA WITH BLUE SCLERAE; Osteogenesis imperfecta type 1; Lobstein's Disease; Lobstein disease. Identifiers: Orphanet 216796, Orphanet 666, MedGen C0023931, MONDO:0008146, OMIM 166200. Disease mechanism: loss of function.

Submissions (5):

Labcorp Genetics (formerly Invitae), Labcorp
Classification: Pathogenic for Osteogenesis imperfecta type I. Last evaluated: 2025-05-07. Review status: criteria provided, single submitter. Criteria: Invitae Variant Classification Sherloc (09022015). Collection method: clinical testing. Allele origin: germline.
Comment: This sequence change replaces glycine, which is neutral and non-polar, with valine, which is neutral and non-polar, at codon 203 of the COL1A1 protein (p.Gly203Val). This variant is not present in population databases (gnomAD no frequency). This missense change has been observed in individuals with osteogenesis imperfecta type III or IV (PMID: 15728585, 16879195, 17078022, 18798308, 27509835). ClinVar contains an entry for this variant (Variation ID: 456792). Invitae Evidence Modeling of protein sequence and biophysical properties (such as structural, functional, and spatial information, amino acid conservation, physicochemical variation, residue mobility, and thermodynamic stability) indicates that this missense variant is expected to disrupt COL1A1 protein function with a positive predictive value of 95%. Experimental studies have shown that this missense change affects COL1A1 function (PMID: 15728585, 16879195). This variant disrupts the triple helix domain of COL1A1. Glycine residues within the Gly-Xaa-Yaa repeats of the triple helix domain are required for the structure and stability of fibrillar collagens (PMID: 7695699, 8218237, 19344236). In COL1A1, variants affecting these glycine residues are significantly enriched in individuals with disease (PMID: 9016532, 17078022) compared to the general population (ExAC). For these reasons, this variant has been classified as Pathogenic.

Revvity Omics, Revvity
Classification: Pathogenic. Last evaluated: 2024-12-24. Review status: criteria provided, single submitter. Criteria: ACMG Guidelines, 2015. Collection method: clinical testing. Allele origin: germline.

Mendelics
Classification: Pathogenic for Osteogenesis imperfecta type I. Last evaluated: 2019-05-28. Review status: criteria provided, single submitter. Criteria: Mendelics Assertion Criteria 2017. Collection method: clinical testing. Allele origin: unknown.

Clinical Genetics DNA and cytogenetics Diagnostics Lab, Erasmus MC, Erasmus Medical Center
Classification: Pathogenic. Review status: no assertion criteria provided. Collection method: clinical testing. Allele origin: germline. Affected: yes. Study: VKGL Data-share Consensus. Not counted in ClinVar's aggregate classification.

Genome Diagnostics Laboratory, Amsterdam University Medical Center
Classification: Pathogenic. Review status: no assertion criteria provided. Collection method: clinical testing. Allele origin: germline. Affected: yes. Study: VKGL Data-share Consensus. Not counted in ClinVar's aggregate classification.

Literature cited by the submitters: PubMed 15728585 (cited by Labcorp Genetics (formerly Invitae), Labcorp); PubMed 16879195 (cited by Labcorp Genetics (formerly Invitae), Labcorp); PubMed 17078022 (cited by Labcorp Genetics (formerly Invitae), Labcorp); PubMed 18798308 (cited by Labcorp Genetics (formerly Invitae), Labcorp); PubMed 27509835 (cited by Labcorp Genetics (formerly Invitae), Labcorp); PubMed 7695699 (cited by Labcorp Genetics (formerly Invitae), Labcorp); PubMed 8218237 (cited by Labcorp Genetics (formerly Invitae), Labcorp); PubMed 19344236 (cited by Labcorp Genetics (formerly Invitae), Labcorp); PubMed 9016532 (cited by Labcorp Genetics (formerly Invitae), Labcorp).

NM_000088.4(COL1A1):c.608G>T (p.Gly203Val)

Gene: COL1A1 (collagen type I alpha 1 chain; minus strand). Cytogenetic location: 17q21.33.
Variant type: single nucleotide variant.
Coding change: c.608G>T on transcript NM_000088.4 (MANE Select); coding-DNA position 608, G replaced by T.
Protein change: p.Gly203Val; replaces glycine 203 with valine.
Molecular consequence: missense variant.
Genome position (GRCh38, 1-based): chr17:50,197,983, C>A on the plus strand (G>T on the coding strand, the complement: COL1A1 is on the minus strand). VCF-style: chr17-50197983-C-A. GRCh37 (hg19) VCF-style: chr17-48275344-C-A.
Other names: short protein forms G203V.
Identifiers: ClinVar variation 456792 (VCV000456792.14), dbSNP rs72667031, ClinGen allele CA291548107.